The following is an entry in ClinVar:

NM_207122.2(EXT2):c.211del (p.Leu71fs)

Gene: EXT2 (exostosin glycosyltransferase 2; plus strand). Cytogenetic location: 11p11.2.
Variant type: Deletion.
Coding change: c.211del on transcript NM_207122.2 (MANE Select); coding-DNA position 211, one base deleted (C; older notation c.211delC).
Protein change: p.Leu71fs; shifts the reading frame from leucine 71.
Molecular consequence: frameshift variant.
Genome position (GRCh38, 1-based): chr11:44,107,923, C deleted. VCF-style (leftmost placement, unchanged base first): chr11-44107922-GC-G. GRCh37 (hg19) VCF-style: chr11-44129472-GC-G.
Other names: c.310del, p.Leu104fs (NM_000401.3); c.211del, p.Leu71fs (NM_001178083.3, NM_001389628.1, NM_001389630.1); short protein forms L71fs, L104fs.
Identifiers: ClinVar variation 853306 (VCV000853306.1), dbSNP rs1954081372, ClinGen allele CA916081631.
Genomic context (GRCh38, chr11:44,107,922, plus strand): 5'-CGAGTCCTCAAATGACTGGAATGTAGAGAAGCGCAGCATCCGTGATGTGCCGGTTGTTAG[GC>G]TGCCAGCCGACAGTCCCATCCCAGAGCGGGGGGATCTCAGTTGCAGAATGCACACGTGTT-3'

ClinVar aggregate classification (germline): Pathogenic (1 of 4 stars; one submission).

Conditions:
Exostoses, multiple, type 2 (EXT2). Also called: EXOSTOSES, MULTIPLE, TYPE II; Hereditary Multiple Osteochondromatosis, Type II. Identifiers: Orphanet 321, MedGen C1851413, MONDO:0007586, OMIM 133701.

Submission:

Labcorp Genetics (formerly Invitae), Labcorp
Classification: Pathogenic for Multiple exostoses type 2. Last evaluated: 2019-12-19. Review status: criteria provided, single submitter. Criteria: Invitae Variant Classification Sherloc (09022015). Collection method: clinical testing. Allele origin: germline.
Comment: This sequence change creates a premature translational stop signal (p.Leu71Cysfs*41) in the EXT2 gene. It is expected to result in an absent or disrupted protein product. This variant is not present in population databases (ExAC no frequency). This variant has not been reported in the literature in individuals with EXT2-related conditions. Loss-of-function variants in EXT2 are known to be pathogenic (PMID: 10679937, 19810120). For these reasons, this variant has been classified as Pathogenic.